The following is an entry in ClinVar:

NM_018928.3(PCDHGC4):c.462G>A (p.Leu154=)

Genes: PCDHGA2 (protocadherin gamma subfamily A, 2; plus strand), PCDHGA3 (protocadherin gamma subfamily A, 3; plus strand), PCDHGA4 (protocadherin gamma subfamily A, 4; plus strand), PCDHGA5 (protocadherin gamma subfamily A, 5; plus strand), PCDHGA6 (protocadherin gamma subfamily A, 6; plus strand) and 17 more. Cytogenetic location: 5q31.3.
Variant type: single nucleotide variant.
Coding change: c.462G>A on transcript NM_018928.3 (MANE Select); coding-DNA position 462, G replaced by A.
Protein change: p.Leu154=; no amino-acid change (leucine 154 retained).
Molecular consequence: synonymous variant. On other transcripts: intron variant (23).
Genome position (GRCh38, 1-based): chr5:141,485,635, G>A. VCF-style: chr5-141485635-G-A. GRCh37 (hg19) VCF-style: chr5-140865202-G-A.
Other names: c.462G>A, p.Leu154= (NM_032406.1); c.2422-9172G>A (NM_018912.3, NM_018923.3, NM_018918.3); c.2425-9172G>A (NM_018915.4, NM_018916.4, NM_018919.3 and 4 more transcripts); c.2410-9172G>A (NM_018922.3); c.2515-9172G>A (NM_018917.4); c.2416-9172G>A (NM_018924.5, NM_018927.4); c.2398-9172G>A (NM_003736.4, NM_018925.3); c.2419-9172G>A (NM_018926.3); and 6 more.
Identifiers: ClinVar variation 92004 (VCV000092004.2), dbSNP rs386352347, ClinGen allele CA232332.

ClinVar aggregate classification (germline): Uncertain significance (0 of 4 stars; one submission).

Submission:

Richard Lifton Laboratory, Yale University School of Medicine
Classification: Uncertain significance. Review status: no assertion criteria provided. Collection method: not provided. Allele origin: somatic.
Comment: PCDHGC4
ClinVar note: Converted during submission from unknown to Uncertain significance.